The following is an entry in ClinVar:

ClinVar aggregate classification (germline): Pathogenic (0 of 4 stars; one submission).

Conditions:
Pseudo-Hurler polydystrophy. Also called: Type III Mucolipidosis; ML IIIA; ML III; ML III ALPHA/BETA; Mucolipidosis III Alpha/Beta; MUCOLIPIDOSIS IIIA. Identifiers: Orphanet 423461, Orphanet 577, MedGen C0033788, MONDO:0018931, OMIM 252600.

Submission:

GeneReviews
Classification: Pathogenic for Mucolipidosis III Alpha/Beta. Last evaluated: 2012-05-10. Review status: no assertion criteria provided. Collection method: curation. Allele origin: unknown.
ClinVar note: Converted during submission from pathologic to Pathogenic.

NM_024312.5(GNPTAB):c.1985C>G (p.Ala662Gly)

Gene: GNPTAB (N-acetylglucosamine-1-phosphate transferase subunits alpha and beta; minus strand). Cytogenetic location: 12q23.2.
Variant type: single nucleotide variant.
Coding change: c.1985C>G on transcript NM_024312.5 (MANE Select); coding-DNA position 1985, C replaced by G.
Protein change: p.Ala662Gly; replaces alanine 662 with glycine.
Molecular consequence: missense variant.
Genome position (GRCh38, 1-based): chr12:101,764,932, G>C on the plus strand (C>G on the coding strand, the complement: GNPTAB is on the minus strand). VCF-style: chr12-101764932-G-C. GRCh37 (hg19) VCF-style: chr12-102158710-G-C.
Other names: AY687932:c.1985C>G; short protein forms A662G.
Identifiers: ClinVar variation 38416 (VCV000038416.3), dbSNP rs142172397, ClinGen allele CA343064.